The following is an entry in ClinVar:

ClinVar aggregate classification (germline): Uncertain significance (1 of 4 stars; one submission).

Allele frequency attached by ClinVar (database versions not stated): gnomAD 0.00001; TOPMed 0.00001.

Submission:

Labcorp Genetics (formerly Invitae), Labcorp
Classification: Uncertain significance. Last evaluated: 2022-05-11. Review status: criteria provided, single submitter. Criteria: Invitae Variant Classification Sherloc (09022015). Collection method: clinical testing. Allele origin: germline.
Comment: Algorithms developed to predict the effect of missense changes on protein structure and function are either unavailable or do not agree on the potential impact of this missense change (SIFT: "Deleterious"; PolyPhen-2: "Probably Damaging"; Align-GVGD: "Class C0"). In summary, the available evidence is currently insufficient to determine the role of this variant in disease. Therefore, it has been classified as a Variant of Uncertain Significance. This variant has not been reported in the literature in individuals affected with MYLIP-related conditions. This variant is present in population databases (no rsID available, gnomAD 0.003%). This sequence change replaces glutamic acid, which is acidic and polar, with glycine, which is neutral and non-polar, at codon 188 of the MYLIP protein (p.Glu188Gly).

NM_013262.4(MYLIP):c.563A>G (p.Glu188Gly)

Gene: MYLIP (myosin regulatory light chain interacting protein; plus strand). Cytogenetic location: 6p22.3.
Variant type: single nucleotide variant.
Coding change: c.563A>G on transcript NM_013262.4 (MANE Select); coding-DNA position 563, A replaced by G.
Protein change: p.Glu188Gly; replaces glutamic acid 188 with glycine.
Molecular consequence: missense variant.
Genome position (GRCh38, 1-based): chr6:16,143,118, A>G. VCF-style: chr6-16143118-A-G. GRCh37 (hg19) VCF-style: chr6-16143349-A-G.
Other names: short protein forms E188G.
Identifiers: ClinVar variation 1917239 (VCV001917239.5), dbSNP rs1355723926, ClinGen allele CA362795805.